The following is an entry in ClinVar:

ClinVar aggregate classification (germline): Uncertain significance (1 of 4 stars; one submission).

Submission:

GeneDx
Classification: Uncertain significance. Last evaluated: 2026-01-27. Review status: criteria provided, single submitter. Criteria: GeneDx Variant Classification Process June 2021. Collection method: clinical testing. Allele origin: germline.
Comment: Not observed at significant frequency in large population cohorts (gnomAD); In silico analysis supports that this missense variant has a deleterious effect on protein structure/function; In silico analysis supports a deleterious effect on splicing; Has not been previously published as pathogenic or benign to our knowledge

NM_001081550.2(THOC2):c.860A>G (p.His287Arg)

Gene: THOC2 (THO complex subunit 2; minus strand). Cytogenetic location: Xq25.
Variant type: single nucleotide variant.
Coding change: c.860A>G on transcript NM_001081550.2 (MANE Select); coding-DNA position 860, A replaced by G.
Protein change: p.His287Arg; replaces histidine 287 with arginine.
Molecular consequence: missense variant.
Genome position (GRCh38, 1-based): chrX:123,671,670, T>C on the plus strand (A>G on the coding strand, the complement: THOC2 is on the minus strand). VCF-style: chrX-123671670-T-C. GRCh37 (hg19) VCF-style: chrX-122805521-T-C.
Other names: c.860A>G, p.His287Arg (NM_001441235.1, NM_001441236.1); short protein forms H287R.
Identifiers: ClinVar variation 4975778 (VCV004975778.1).